The following is an entry in ClinVar:

ClinVar aggregate classification (germline): Uncertain significance (1 of 4 stars; one submission).

Submission:

Labcorp Genetics (formerly Invitae), Labcorp
Classification: Uncertain significance. Last evaluated: 2022-02-09. Review status: criteria provided, single submitter. Criteria: Invitae Variant Classification Sherloc (09022015). Collection method: clinical testing. Allele origin: germline.
Comment: Variants that disrupt the consensus splice site are a relatively common cause of aberrant splicing (PMID: 17576681, 9536098). Algorithms developed to predict the effect of sequence changes on RNA splicing suggest that this variant may disrupt the consensus splice site. In summary, the available evidence is currently insufficient to determine the role of this variant in disease. Therefore, it has been classified as a Variant of Uncertain Significance. Algorithms developed to predict the effect of missense changes on protein structure and function are either unavailable or do not agree on the potential impact of this missense change (SIFT: "Tolerated"; PolyPhen-2: "Possibly Damaging"; Align-GVGD: "Class C0"). This variant has not been reported in the literature in individuals affected with COL13A1-related conditions. This variant is not present in population databases (gnomAD no frequency). This sequence change replaces glycine, which is neutral and non-polar, with arginine, which is basic and polar, at codon 122 of the COL13A1 protein (p.Gly122Arg). This variant also falls at the last nucleotide of exon 2, which is part of the consensus splice site for this exon.

Literature cited by the submitters: PubMed 17576681; PubMed 9536098.

NM_001368882.1(COL13A1):c.364G>C (p.Gly122Arg)

Gene: COL13A1 (collagen type XIII alpha 1 chain; plus strand). Cytogenetic location: 10q22.1.
Variant type: single nucleotide variant.
Coding change: c.364G>C on transcript NM_001368882.1 (MANE Select); coding-DNA position 364, G replaced by C.
Protein change: p.Gly122Arg; replaces glycine 122 with arginine.
Molecular consequence: missense variant. On other transcripts: 5 prime UTR variant (1).
Genome position (GRCh38, 1-based): chr10:69,822,438, G>C. VCF-style: chr10-69822438-G-C. GRCh37 (hg19) VCF-style: chr10-71582194-G-C.
Other names: c.364G>C, p.Gly122Arg (NM_001130103.2, NM_001320951.2, NM_001368883.1 and 11 more transcripts); c.-290G>C (NM_001368886.1); short protein forms G122R.
Identifiers: ClinVar variation 2090233 (VCV002090233.4), dbSNP rs2541569174, ClinGen allele CA376962317.